The following is an entry in ClinVar:

NM_001378183.1(PIEZO2):c.2743G>C (p.Gly915Arg)

Gene: PIEZO2 (piezo type mechanosensitive ion channel component 2; minus strand). Cytogenetic location: 18p11.22.
Variant type: single nucleotide variant.
Coding change: c.2743G>C on transcript NM_001378183.1 (MANE Select); coding-DNA position 2743, G replaced by C.
Protein change: p.Gly915Arg; replaces glycine 915 with arginine.
Molecular consequence: missense variant.
Genome position (GRCh38, 1-based): chr18:10,773,454, C>G on the plus strand (G>C on the coding strand, the complement: PIEZO2 is on the minus strand). VCF-style: chr18-10773454-C-G. GRCh37 (hg19) VCF-style: chr18-10773452-C-G.
Other names: c.2668G>C, p.Gly890Arg (NM_022068.4); short protein forms G915R, G890R.
Identifiers: ClinVar variation 931580 (VCV000931580.3), dbSNP rs750411760, ClinGen allele CA8892625.

ClinVar aggregate classification (germline): Uncertain significance (1 of 4 stars; one submission).

Conditions:
Arthrogryposis, distal, with impaired proprioception and touch (DAIPT). Identifiers: MedGen C4310692, MONDO:0014941, OMIM 617146.

Allele frequency attached by ClinVar (database versions not stated): ExAC 0.00005.
gnomAD v4.1: 3 of 1,537,386 alleles (0.0002%); highest among the groups gnomAD compares: South Asian, 0.0012%; no homozygotes.

Submission:

Centre for Mendelian Genomics, University Medical Centre Ljubljana
Classification: Uncertain significance for Arthrogryposis, distal, with impaired proprioception and touch. Last evaluated: 2019-09-11. Review status: criteria provided, single submitter. Criteria: ACMG Guidelines, 2015. Collection method: clinical testing. Allele origin: unknown. Affected: yes.
Comment: This variant was classified as: Uncertain significance. The available evidence on this variant's pathogenicity is insufficient or conflicting. The following ACMG criteria were applied in classifying this variant: BP4.